The following is an entry in ClinVar:

NM_000350.3(ABCA4):c.3050+363_3050+390del

Gene: ABCA4 (ATP binding cassette subfamily A member 4; minus strand). Cytogenetic location: 1p22.1.
Variant type: Deletion.
Coding change: c.3050+363_3050+390del on transcript NM_000350.3 (MANE Select); bases 363 to 390 of the intron after coding-DNA position 3050, 28 bases deleted (TGAAAGGCAAACTTTTCAGGGGGCTTTT).
Molecular consequence: intron variant.
Genome position (GRCh38, 1-based): chr1:94,044,223-94,044,250, AAAAGCCCCCTGAAAAGTTTGCCTTTCA deleted on the plus strand (TGAAAGGCAAACTTTTCAGGGGGCTTTT on the coding strand, the reverse complement: ABCA4 is on the minus strand). VCF-style (leftmost placement, unchanged base first): chr1-94044222-GAAAAGCCCCCTGAAAAGTTTGCCTTTCA-G. GRCh37 (hg19) VCF-style: chr1-94509778-GAAAAGCCCCCTGAAAAGTTTGCCTTTCA-G.
Identifiers: ClinVar variation 2762211 (VCV002762211.3), dbSNP rs2523778156, ClinGen allele CA2697552517.

ClinVar aggregate classification (germline): Uncertain significance (1 of 4 stars; one submission).

Submission:

Labcorp Genetics (formerly Invitae), Labcorp
Classification: Uncertain significance. Last evaluated: 2023-09-20. Review status: criteria provided, single submitter. Criteria: Invitae Variant Classification Sherloc (09022015). Collection method: clinical testing. Allele origin: germline.
Comment: In summary, the available evidence is currently insufficient to determine the role of this variant in disease. Therefore, it has been classified as a Variant of Uncertain Significance. Experimental studies and prediction algorithms are not available or were not evaluated, and the effect of this variant on mRNA splicing is currently unknown. This variant has not been reported in the literature in individuals affected with ABCA4-related conditions. This variant is not present in population databases (gnomAD no frequency). This sequence change falls in intron 20 of the ABCA4 gene. It does not directly change the encoded amino acid sequence of the ABCA4 protein.